The following is an entry in ClinVar:

NM_145059.3(FCSK):c.2047C>T (p.Arg683Cys)

Gene: FCSK (fucose kinase; plus strand). Cytogenetic location: 16q22.1.
Variant type: single nucleotide variant.
Coding change: c.2047C>T on transcript NM_145059.3 (MANE Select); coding-DNA position 2047, C replaced by T.
Protein change: p.Arg683Cys; replaces arginine 683 with cysteine.
Molecular consequence: missense variant.
Genome position (GRCh38, 1-based): chr16:70,474,586, C>T. VCF-style: chr16-70474586-C-T. GRCh37 (hg19) VCF-style: chr16-70508489-C-T.
Other names: short protein forms R683C.
Identifiers: ClinVar variation 619034 (VCV000619034.13), dbSNP rs755169246, ClinGen allele CA8143480.

ClinVar aggregate classification (germline): Conflicting classifications of pathogenicity. Review status: criteria provided, conflicting classifications (1 of 4 stars). 5 submissions from 5 submitters: Likely pathogenic (1); Uncertain significance (3). 1 of the submissions does not count toward it. Last evaluated 2025-11-19.

Conditions:
Congenital disorder of glycosylation with defective fucosylation 2 (CDGF2). Identifiers: MedGen C5193028, MONDO:0020777, OMIM 618324.

Allele frequency attached by ClinVar (database versions not stated): gnomAD exomes 0.00005 and 0.00016; TOPMed 0.00008; ExAC 0.00009.

Submissions (5):

Labcorp Genetics (formerly Invitae), Labcorp
Classification: Uncertain significance. Last evaluated: 2025-11-19. Review status: criteria provided, single submitter. Criteria: Invitae Variant Classification Sherloc (09022015). Collection method: clinical testing. Allele origin: germline.
Comment: This sequence change replaces arginine, which is basic and polar, with cysteine, which is neutral and slightly polar, at codon 683 of the FUK protein (p.Arg683Cys). This variant is present in population databases (rs755169246, gnomAD 0.08%), and has an allele count higher than expected for a pathogenic variant. This missense change has been observed in individual(s) with a congenital disorder of glycosylation (PMID: 30503518). ClinVar contains an entry for this variant (Variation ID: 619034). An algorithm developed to predict the effect of missense changes on protein structure and function (PolyPhen-2) suggests that this variant is likely to be disruptive. In summary, the available evidence is currently insufficient to determine the role of this variant in disease. Therefore, it has been classified as a Variant of Uncertain Significance.

Department of Pathology and Laboratory Medicine, Sinai Health System
Classification: Uncertain significance for Congenital disorder of glycosylation with defective fucosylation 2. Last evaluated: 2022-08-03. Review status: criteria provided, single submitter. Criteria: ACMG Guidelines, 2015. Collection method: research. Allele origin: germline.

Baylor Genetics
Classification: Likely pathogenic for Congenital disorder of glycosylation with defective fucosylation 2. Last evaluated: 2022-03-21. Review status: criteria provided, single submitter. Criteria: ACMG Guidelines, 2015. Collection method: clinical testing. Allele origin: unknown.

Undiagnosed Diseases Network, NIH
Classification: Uncertain significance for Congenital disorder of glycosylation with defective fucosylation 2. Last evaluated: 2019-04-03. Review status: criteria provided, single submitter. Criteria: ACMG Guidelines, 2015. Collection method: clinical testing. Allele origin: maternal. Inheritance: Autosomal recessive inheritance. Affected: yes. Observed: 1 variant allele, 1 compound heterozygote. Study: Undiagnosed Diseases Network (NIH), UDN.

OMIM
Classification: Pathogenic for CONGENITAL DISORDER OF GLYCOSYLATION WITH DEFECTIVE FUCOSYLATION 2. Last evaluated: 2019-02-22. Review status: no assertion criteria provided. Collection method: literature only. Allele origin: germline. Not counted in ClinVar's aggregate classification.

Literature cited by the submitters: PubMed 30503518 (cited by 3 submitters).